The following is an entry in ClinVar:

NM_033409.4(SLC52A3):c.222C>G (p.Ile74Met)

Gene: SLC52A3 (solute carrier family 52 member 3; minus strand). Cytogenetic location: 20p13.
Variant type: single nucleotide variant.
Coding change: c.222C>G on transcript NM_033409.4 (MANE Select); coding-DNA position 222, C replaced by G.
Protein change: p.Ile74Met; replaces isoleucine 74 with methionine.
Molecular consequence: missense variant.
Genome position (GRCh38, 1-based): chr20:765,553, G>C on the plus strand (C>G on the coding strand, the complement: SLC52A3 is on the minus strand). VCF-style: chr20-765553-G-C. GRCh37 (hg19) VCF-style: chr20-746197-G-C.
Other names: c.222C>G, p.Ile74Met (NM_001370085.1, NM_001370086.1); short protein forms I74M.
Identifiers: ClinVar variation 262231 (VCV000262231.18), dbSNP rs35655964, ClinGen allele CA9724816.

ClinVar aggregate classification (germline): Benign/Likely benign. Review status: criteria provided, multiple submitters, no conflicts (2 of 4 stars). 6 submissions from 6 submitters: Benign (4); Likely benign (2). Last evaluated 2026-02-03.

Conditions:
Brown-Vialetto-van Laere syndrome 1. Also called: BULBAR PALSY, PROGRESSIVE, WITH SENSORINEURAL DEAFNESS; PONTOBULBAR PALSY WITH DEAFNESS; BROWN-VIALETTO-VAN LAERE SYNDROME 1, MILD. Identifiers: Orphanet 572550, Orphanet 97229, MedGen C0796274, MONDO:0024537, OMIM 211530.

Allele frequency attached by ClinVar (database versions not stated): ESP Exome Variant Server 0.06953; 1000 Genomes Project 0.03075; gnomAD 0.06422; ExAC 0.08888; 1000 Genomes Project 30x 0.03061; TOPMed 0.06000.
gnomAD v4.1: 139,158 of 1,577,444 alleles (8.8%); highest among the groups gnomAD compares: Non-Finnish European, 10%; 6,879 homozygotes.

Submissions (6):

Labcorp Genetics (formerly Invitae), Labcorp
Classification: Benign for Brown-Vialetto-van Laere syndrome 1. Last evaluated: 2026-02-03. Review status: criteria provided, single submitter. Criteria: Invitae Variant Classification Sherloc (09022015). Collection method: clinical testing. Allele origin: germline.

Mayo Clinic Laboratories, Mayo Clinic
Classification: Benign. Last evaluated: 2022-04-26. Review status: criteria provided, single submitter. Criteria: ACMG Guidelines, 2015. Collection method: clinical testing. Allele origin: germline. Observed: 240 variant alleles.

GeneDx
Classification: Benign. Last evaluated: 2018-07-10. Review status: criteria provided, single submitter. Criteria: GeneDx Variant Classification Process June 2021. Collection method: clinical testing. Allele origin: germline. Affected: yes.

Laboratory for Molecular Medicine, Mass General Brigham Personalized Medicine
Classification: Benign. Last evaluated: 2017-08-23. Review status: criteria provided, single submitter. Criteria: LMM Criteria. Collection method: clinical testing. Allele origin: germline. Observed: 37 variant alleles.
Comment: p.Ile74Met in exon 2 of SLC52A3: This variant is not expected to have clinical s ignificance because it has been identified in 12.83% (3040/23690) of European ch romosomes by the Exome Aggregation Consortium (ExAC. org; dbSNP rs35655964).

Breakthrough Genomics
Classification: Likely benign. Review status: criteria provided, single submitter. Criteria: ACMG Guidelines, 2015. Collection method: not provided. Allele origin: germline. Inheritance: Autosomal recessive inheritance. Affected: yes.

PreventionGenetics, part of Exact Sciences
Classification: Likely benign. Review status: criteria provided, single submitter. Criteria: ACMG Guidelines, 2015. Collection method: clinical testing. Allele origin: germline.